The following is an entry in ClinVar:

NM_182530.3(MYRFL):c.2715C>T (p.Phe905=)

Gene: MYRFL (myelin regulatory factor like; plus strand). Cytogenetic location: 12q15.
Variant type: single nucleotide variant.
Coding change: c.2715C>T on transcript NM_182530.3 (MANE Select); coding-DNA position 2715, C replaced by T.
Protein change: p.Phe905=; no amino-acid change (phenylalanine 905 retained).
Molecular consequence: synonymous variant.
Genome position (GRCh38, 1-based): chr12:69,958,513, C>T. VCF-style: chr12-69958513-C-T. GRCh37 (hg19) VCF-style: chr12-70352293-C-T.
Identifiers: ClinVar variation 2643174 (VCV002643174.24), dbSNP rs200704226, ClinGen allele CA6682529.

ClinVar aggregate classification (germline): Likely benign (1 of 4 stars; one submission).

Allele frequency attached by ClinVar (database versions not stated): 1000 Genomes Project 0.00020; 1000 Genomes Project 30x 0.00031; gnomAD exomes 0.00064; TOPMed 0.00074; gnomAD 0.00075; ExAC 0.00211.
gnomAD v4.1: 1,041 of 1,534,772 alleles (0.068%); highest among the groups gnomAD compares: Non-Finnish European, 0.034%; 10 homozygotes.

Submission:

CeGaT Center for Human Genetics Tuebingen
Classification: Likely benign. Last evaluated: 2022-03-01. Review status: criteria provided, single submitter. Criteria: CeGaT Center For Human Genetics Tuebingen Variant Classification Criteria Version 2. Collection method: clinical testing. Allele origin: germline. Affected: yes. Observed: 1 variant allele.
Comment: MYRFL: BP4, BP7